The following is an entry in ClinVar:

ClinVar aggregate classification (germline): Uncertain significance (1 of 4 stars; one submission).

Allele frequency attached by ClinVar (database versions not stated): gnomAD exomes below 0.00001.
gnomAD v4.1: 2 of 1,598,166 alleles (0.00013%); highest among the groups gnomAD compares: Non-Finnish European, 0.00017%; no homozygotes.

Submission:

Labcorp Genetics (formerly Invitae), Labcorp
Classification: Uncertain significance. Last evaluated: 2022-10-25. Review status: criteria provided, single submitter. Criteria: Invitae Variant Classification Sherloc (09022015). Collection method: clinical testing. Allele origin: germline.
Comment: In summary, the available evidence is currently insufficient to determine the role of this variant in disease. Therefore, it has been classified as a Variant of Uncertain Significance. Advanced modeling of protein sequence and biophysical properties (such as structural, functional, and spatial information, amino acid conservation, physicochemical variation, residue mobility, and thermodynamic stability) performed at Invitae indicates that this missense variant is not expected to disrupt FGF12 protein function. This variant has not been reported in the literature in individuals affected with FGF12-related conditions. This variant is present in population databases (no rsID available, gnomAD 0.002%). This sequence change replaces cysteine, which is neutral and slightly polar, with phenylalanine, which is neutral and non-polar, at codon 206 of the FGF12 protein (p.Cys206Phe).

NM_004113.6(FGF12):c.431G>T (p.Cys144Phe)

Gene: FGF12 (fibroblast growth factor 12; minus strand). Cytogenetic location: 3q28.
Variant type: single nucleotide variant.
Coding change: c.431G>T on transcript NM_004113.6 (MANE Select); coding-DNA position 431, G replaced by T.
Protein change: p.Cys144Phe; replaces cysteine 144 with phenylalanine.
Molecular consequence: missense variant.
Genome position (GRCh38, 1-based): chr3:192,144,124, C>A on the plus strand (G>T on the coding strand, the complement: FGF12 is on the minus strand). VCF-style: chr3-192144124-C-A. GRCh37 (hg19) VCF-style: chr3-191861913-C-A.
Other names: c.320G>T, p.Cys107Phe (NM_001377292.1); c.359G>T, p.Cys120Phe (NM_001377293.1, NM_001377294.1); c.617G>T, p.Cys206Phe (NM_021032.5); short protein forms C120F, C206F, C107F, C144F.
Identifiers: ClinVar variation 2025941 (VCV002025941.4), dbSNP rs1392888891, ClinGen allele CA355865807.